The following is an entry in ClinVar:

ClinVar aggregate classification (germline): Uncertain significance (1 of 4 stars; one submission).

Conditions:
Glycogen storage disease due to muscle and heart glycogen synthase deficiency. Also called: GSD 0b; MUSCLE GLYCOGEN SYNTHASE DEFICIENCY. Identifiers: Orphanet 137625, MedGen C1969054, MONDO:0012693, OMIM 611556.

Allele frequency attached by ClinVar (database versions not stated): gnomAD exomes below 0.00001; TOPMed below 0.00001; gnomAD 0.00001.
gnomAD v4.1: 2 of 1,614,016 alleles (0.00012%); highest among the groups gnomAD compares: Non-Finnish European, 0.00017%; no homozygotes.

Submission:

Labcorp Genetics (formerly Invitae), Labcorp
Classification: Uncertain significance for Glycogen storage disease due to muscle and heart glycogen synthase deficiency. Last evaluated: 2022-01-07. Review status: criteria provided, single submitter. Criteria: Invitae Variant Classification Sherloc (09022015). Collection method: clinical testing. Allele origin: germline.
Comment: This sequence change replaces proline, which is neutral and non-polar, with alanine, which is neutral and non-polar, at codon 173 of the GYS1 protein (p.Pro173Ala). This variant is not present in population databases (gnomAD no frequency). This variant has not been reported in the literature in individuals affected with GYS1-related conditions. Algorithms developed to predict the effect of missense changes on protein structure and function (SIFT, PolyPhen-2, Align-GVGD) all suggest that this variant is likely to be tolerated. In summary, the available evidence is currently insufficient to determine the role of this variant in disease. Therefore, it has been classified as a Variant of Uncertain Significance.

NM_002103.5(GYS1):c.517C>G (p.Pro173Ala)

Gene: GYS1 (glycogen synthase 1; minus strand). Cytogenetic location: 19q13.33.
Variant type: single nucleotide variant.
Coding change: c.517C>G on transcript NM_002103.5 (MANE Select); coding-DNA position 517, C replaced by G.
Protein change: p.Pro173Ala; replaces proline 173 with alanine.
Molecular consequence: missense variant. On other transcripts: non-coding transcript variant (1).
Genome position (GRCh38, 1-based): chr19:48,986,011, G>C on the plus strand (C>G on the coding strand, the complement: GYS1 is on the minus strand). VCF-style: chr19-48986011-G-C. GRCh37 (hg19) VCF-style: chr19-49489268-G-C.
Other names: c.325C>G, p.Pro109Ala (NM_001161587.2); short protein forms P173A, P109A.
Identifiers: ClinVar variation 1963304 (VCV001963304.5), dbSNP rs1222404744, ClinGen allele CA406765516.
Genomic context (GRCh38, chr19:48,986,011, plus strand): 5'-CACGACACAGGCAGAGTCCAACGCCTGCCAACCACTCATGGAAGTGAGCAACCACATGTG[G>C]CTTCTCCTCACTCTGTGCCAGGAACTGTGGGCAACAGGGACAGGGCCACTGTCTCCACGA-3'
Protein context (NP_002094.2, residues 163-183): GEFLAQSEEK[Pro173Ala]HVVAHFHEWL